The following is an entry in ClinVar:

ClinVar aggregate classification (germline): Uncertain significance (1 of 4 stars; one submission).

Conditions:
HYAL2-related disorder. Also called: HYAL2-related condition.

Allele frequency attached by ClinVar (database versions not stated): gnomAD exomes below 0.00001; TOPMed below 0.00001.
gnomAD v4.1: 1 of 1,613,840 alleles (0.000062%); highest among the groups gnomAD compares: Non-Finnish European, 0.000085%; no homozygotes.

Submission:

PreventionGenetics, part of Exact Sciences
Classification: Uncertain significance for HYAL2-related condition. Last evaluated: 2023-03-09. Review status: criteria provided, single submitter. Criteria: ACMG Guidelines, 2015. Collection method: clinical testing. Allele origin: germline.
Comment: The HYAL2 c.350T>C variant is predicted to result in the amino acid substitution p.Val117Ala. To our knowledge, this variant has not been reported in the literature or in a large population database, indicating this variant is rare. At this time, the clinical significance of this variant is uncertain due to the absence of conclusive functional and genetic evidence.

NM_003773.5(HYAL2):c.350T>C (p.Val117Ala)

Gene: HYAL2 (hyaluronidase 2; minus strand). Cytogenetic location: 3p21.31.
Variant type: single nucleotide variant.
Coding change: c.350T>C on transcript NM_003773.5 (MANE Select); coding-DNA position 350, T replaced by C.
Protein change: p.Val117Ala; replaces valine 117 with alanine.
Molecular consequence: missense variant.
Genome position (GRCh38, 1-based): chr3:50,320,140, A>G on the plus strand (T>C on the coding strand, the complement: HYAL2 is on the minus strand). VCF-style: chr3-50320140-A-G. GRCh37 (hg19) VCF-style: chr3-50357571-A-G.
Other names: c.350T>C, p.Val117Ala (NM_033158.5); short protein forms V117A.
Identifiers: ClinVar variation 2633355 (VCV002633355.1), dbSNP rs1702653471, ClinGen allele CA352912712.